The following is an entry in ClinVar:

ClinVar aggregate classification (germline): Uncertain significance (1 of 4 stars; one submission).

Allele frequency attached by ClinVar (database versions not stated): gnomAD exomes below 0.00001 and 0.00001; ExAC 0.00002; TOPMed 0.00003; gnomAD 0.00004.
gnomAD v4.1: 12 of 1,612,982 alleles (0.00074%); highest among the groups gnomAD compares: African/African-American, 0.011%; no homozygotes.

Submission:

Labcorp Genetics (formerly Invitae), Labcorp
Classification: Uncertain significance. Last evaluated: 2021-09-24. Review status: criteria provided, single submitter. Criteria: Invitae Variant Classification Sherloc (09022015). Collection method: clinical testing. Allele origin: germline.
Comment: This sequence change replaces alanine with threonine at codon 1009 of the USH2A protein (p.Ala1009Thr). The alanine residue is highly conserved and there is a small physicochemical difference between alanine and threonine. This variant is present in population databases (rs756977189, ExAC 0.02%). This variant has not been reported in the literature in individuals affected with USH2A-related conditions. Algorithms developed to predict the effect of missense changes on protein structure and function are either unavailable or do not agree on the potential impact of this missense change (SIFT: "Deleterious"; PolyPhen-2: "Possibly Damaging"; Align-GVGD: "Class C0"). In summary, the available evidence is currently insufficient to determine the role of this variant in disease. Therefore, it has been classified as a Variant of Uncertain Significance.

NM_206933.4(USH2A):c.3025G>A (p.Ala1009Thr)

Genes: USH2A (usherin; minus strand), USH2A-AS1 (USH2A antisense RNA 1; plus strand). Cytogenetic location: 1q41.
Variant type: single nucleotide variant.
Coding change: c.3025G>A on transcript NM_206933.4 (MANE Select); coding-DNA position 3025, G replaced by A.
Protein change: p.Ala1009Thr; replaces alanine 1009 with threonine.
Molecular consequence: missense variant.
Genome position (GRCh38, 1-based): chr1:216,217,519, C>T on the plus strand (G>A on the coding strand, the complement: USH2A is on the minus strand). VCF-style: chr1-216217519-C-T. GRCh37 (hg19) VCF-style: chr1-216390861-C-T.
Other names: c.3025G>A, p.Ala1009Thr (NM_007123.6); short protein forms A1009T.
Identifiers: ClinVar variation 1495483 (VCV001495483.5), dbSNP rs756977189, ClinGen allele CA1396101.